The following is an entry in ClinVar:

NM_138694.4(PKHD1):c.8411T>A (p.Met2804Lys)

Gene: PKHD1 (PKHD1 ciliary IPT domain containing fibrocystin/polyductin; minus strand). Cytogenetic location: 6p12.3.
Variant type: single nucleotide variant.
Coding change: c.8411T>A on transcript NM_138694.4 (MANE Select); coding-DNA position 8411, T replaced by A.
Protein change: p.Met2804Lys; replaces methionine 2804 with lysine.
Molecular consequence: missense variant.
Genome position (GRCh38, 1-based): chr6:51,791,265, A>T on the plus strand (T>A on the coding strand, the complement: PKHD1 is on the minus strand). VCF-style: chr6-51791265-A-T. GRCh37 (hg19) VCF-style: chr6-51656063-A-T.
Other names: c.8411T>A, p.Met2804Lys (NM_170724.3); short protein forms M2804K.
Identifiers: ClinVar variation 197958 (VCV000197958.23), dbSNP rs794727759, ClinGen allele CA246375.
Genomic context (GRCh38, chr6:51,791,265, plus strand): 5'-ACATGCTCGCAATCCTTGTGCCTTTACTCACCAACTTTCAGCTCCCCGCCTGCAATGACC[A>T]TGCATGCCACACTCAGAACATTGCTTCTGTCCACAGGGAAGTCTAAGGTCCCCATCACAT-3'
Protein context (NP_619639.3, residues 2794-2814): DRSNVLSVAC[Met2804Lys]VIAGGELKVG

ClinVar aggregate classification (germline): Likely pathogenic. Review status: criteria provided, multiple submitters, no conflicts (2 of 4 stars). 7 submissions from 7 submitters: Likely pathogenic (5). 2 of the submissions do not count toward it. Last evaluated 2025-07-28.

Conditions:
Polycystic kidney disease 4 (PKD4). Also called: POLYCYSTIC KIDNEY DISEASE 4 WITH OR WITHOUT POLYCYSTIC LIVER DISEASE; PKD3; Autosomal Recessive Polycystic Kidney Disease – PKHD1; POLYCYSTIC KIDNEY AND HEPATIC DISEASE 1; POLYCYSTIC KIDNEY DISEASE, INFANTILE, TYPE I. Identifiers: MedGen C4540575, MONDO:0033004, OMIM 263200.
Autosomal recessive polycystic kidney disease (ARPKD). Also called: AR polycystic kidney disease. Identifiers: Orphanet 731, Orphanet 8378, MedGen C0085548, MeSH D017044, MONDO:0009889.

Allele frequency attached by ClinVar (database versions not stated): gnomAD exomes 0.00001; TOPMed below 0.00001; gnomAD 0.00001.
gnomAD v4.1: 17 of 1,613,786 alleles (0.0011%); highest among the groups gnomAD compares: Non-Finnish European, 0.0014%; no homozygotes.

Submissions (7):

Natera, Inc.
Classification: Likely pathogenic for Autosomal recessive polycystic kidney disease. Last evaluated: 2025-07-28. Review status: criteria provided, single submitter. Criteria: Natera Variant Classification Schema (03/2026). Collection method: clinical testing. Allele origin: germline.
Comment: The c.8411T>A variant in PKHD1 is a missense variant predicted to cause substitution of methionine to lysine at amino acid 2804. This variant is rare in the general population with a frequency below the threshold expected for the associated phenotype(s). This variant has been observed in one or more individuals affected with the associated recessive disease, as either homozygous or compound heterozygous with a second variant (PMID: 33940108, 19914852, 33282801, 37013475). Given the available evidence, this variant is classified as Likely Pathogenic.

Women's Health and Genetics/Laboratory Corporation of America, LabCorp
Classification: Likely pathogenic for Autosomal recessive polycystic kidney disease. Last evaluated: 2024-10-08. Review status: criteria provided, single submitter. Criteria: LabCorp Variant Classification Summary - May 2015. Collection method: clinical testing. Allele origin: germline.
Comment: Variant summary: PKHD1 c.8411T>A (p.Met2804Lys) results in a non-conservative amino acid change located in the G8 domain of the encoded protein sequence. Three of five in-silico tools predict a benign effect of the variant on protein function. The variant was absent in 251266 control chromosomes. c.8411T>A has been reported in the literature in individuals affected with Polycystic Kidney And Hepatic Disease (examples: Gunay-Aygun_2010, Tong_2016, Wicher_2020). These data indicate that the variant is likely to be associated with disease. The following publications have been ascertained in the context of this evaluation (PMID: 19914852, 33282801, 27752906). ClinVar contains an entry for this variant (Variation ID: 197958). Based on the evidence outlined above, the variant was classified as likely pathogenic.

Labcorp Genetics (formerly Invitae), Labcorp
Classification: Likely pathogenic for Autosomal recessive polycystic kidney disease. Last evaluated: 2023-10-16. Review status: criteria provided, single submitter. Criteria: Invitae Variant Classification Sherloc (09022015). Collection method: clinical testing. Allele origin: germline.
Comment: This sequence change replaces methionine, which is neutral and non-polar, with lysine, which is basic and polar, at codon 2804 of the PKHD1 protein (p.Met2804Lys). This variant is not present in population databases (gnomAD no frequency). This missense change has been observed in individual(s) with polycystic kidney disease (PMID: 20413436, 27752906). ClinVar contains an entry for this variant (Variation ID: 197958). Advanced modeling of protein sequence and biophysical properties (such as structural, functional, and spatial information, amino acid conservation, physicochemical variation, residue mobility, and thermodynamic stability) has been performed at Invitae for this missense variant, however the output from this modeling did not meet the statistical confidence thresholds required to predict the impact of this variant on PKHD1 protein function. In summary, the currently available evidence indicates that the variant is pathogenic, but additional data are needed to prove that conclusively. Therefore, this variant has been classified as Likely Pathogenic.

Laboratory of Molecular Genetics, Children's Memorial Health Institute
Classification: Likely pathogenic for Polycystic kidney disease 4. Last evaluated: 2020-05-12. Review status: criteria provided, single submitter. Criteria: ACMG Guidelines, 2015. Collection method: clinical testing. Allele origin: maternal. Inheritance: Autosomal recessive inheritance. Affected: yes. Observed: 1 compound heterozygote.

Eurofins Ntd Llc (ga)
Classification: Likely pathogenic. Last evaluated: 2015-07-21. Review status: criteria provided, single submitter. Criteria: EGL Classification Definitions. Collection method: clinical testing. Allele origin: germline. Observed: 2 variant alleles, 2 heterozygotes.

Sydney Genome Diagnostics, Children's Hospital Westmead
Classification: Likely pathogenic for Autosomal recessive polycystic kidney disease. Last evaluated: 2018-04-20. Review status: no assertion criteria provided. Collection method: clinical testing. Allele origin: unknown. Affected: yes. Observed: 1 variant allele, 1 compound heterozygote. Not counted in ClinVar's aggregate classification.
Comment: The variant has not been reported in any population databases (i.e. gnomAD, ExAC, ESP or dbSNP). It is listed in ClinVar as a likely pathogenic variant, without any supporting evidence provided. In silico analysis of pathogenicity (through Alamut Visual v2.8.1) is inconclusive regarding this change; SIFT predicts it to be likely pathogenic whereas PolyPhen2 and MutationTaster predicts this variant to be benign. This variant is considered to be a variant of uncertain clinical significance (VOUS) according to the ACMG guidelines. In light of this finding, the c.8411T>A variant has been reclassified as likely pathogenic, according to ACMG guidelines.

Counsyl
Classification: Uncertain significance for Polycystic kidney disease 4. Last evaluated: 2017-04-12. Review status: no assertion criteria provided. Collection method: clinical testing. Allele origin: unknown. Not counted in ClinVar's aggregate classification.

Literature cited by the submitters: PubMed 33940108 (cited by Natera, Inc.); PubMed 19914852 (cited by 3 submitters); PubMed 33282801 (cited by Natera, Inc. and Women's Health and Genetics/Laboratory Corporation of America, LabCorp); PubMed 37013475 (cited by Natera, Inc.); PubMed 27752906 (cited by Women's Health and Genetics/Laboratory Corporation of America, LabCorp and Labcorp Genetics (formerly Invitae), Labcorp); PubMed 20413436 (cited by Labcorp Genetics (formerly Invitae), Labcorp).